The following is an entry in ClinVar:

ClinVar aggregate classification (germline): Benign/Likely benign. Review status: criteria provided, multiple submitters, no conflicts (2 of 4 stars). 8 submissions from 8 submitters: Benign (1); Likely benign (7). Last evaluated 2026-03-01.

Conditions:
Hereditary cancer-predisposing syndrome. Also called: Tumor predisposition; Hereditary Cancer Syndrome; Neoplastic Syndromes, Hereditary; Hereditary neoplastic syndrome. Identifiers: Orphanet 140162, MedGen C0027672, MeSH D009386, MONDO:0015356.

Allele frequency attached by ClinVar (database versions not stated): TOPMed 0.00007; gnomAD 0.00009 and 0.00011; ExAC 0.00010; ESP Exome Variant Server 0.00015.
gnomAD v4.1: 259 of 1,613,606 alleles (0.016%); highest among the groups gnomAD compares: Non-Finnish European, 0.02%; no homozygotes.

Submissions (8):

CeGaT Center for Human Genetics Tuebingen
Classification: Likely benign. Last evaluated: 2026-03-01. Review status: criteria provided, single submitter. Criteria: CeGaT Center For Human Genetics Tuebingen Variant Classification Criteria Version 2. Collection method: clinical testing. Allele origin: germline. Affected: yes. Observed: 2 variant alleles.
Comment: POLE: BP4, BP7

Labcorp Genetics (formerly Invitae), Labcorp
Classification: Likely benign. Last evaluated: 2026-01-26. Review status: criteria provided, single submitter. Criteria: Invitae Variant Classification Sherloc (09022015). Collection method: clinical testing. Allele origin: germline.

Center for Genomic Medicine, Rigshospitalet, Copenhagen University Hospital
Classification: Likely benign. Last evaluated: 2025-12-29. Review status: criteria provided, single submitter. Criteria: ACMG Guidelines, 2015. Collection method: clinical testing. Allele origin: germline.

Blueprint Genetics
Classification: Likely benign. Last evaluated: 2024-08-19. Review status: criteria provided, single submitter. Criteria: ACMG Guidelines, 2015. Collection method: clinical testing. Allele origin: germline.

GeneDx
Classification: Likely benign. Last evaluated: 2021-02-03. Review status: criteria provided, single submitter. Criteria: GeneDx Variant Classification Process June 2021. Collection method: clinical testing. Allele origin: germline. Affected: yes.

Sema4
Classification: Likely benign for Hereditary cancer-predisposing syndrome. Last evaluated: 2020-08-17. Review status: criteria provided, single submitter. Criteria: Sema4 Curation Guidelines. Collection method: curation. Allele origin: germline.

Quest Diagnostics Nichols Institute San Juan Capistrano
Classification: Benign. Last evaluated: 2017-11-17. Review status: criteria provided, single submitter. Criteria: Quest Diagnostics criteria. Collection method: clinical testing. Allele origin: germline.

Ambry Genetics
Classification: Likely benign for Hereditary cancer-predisposing syndrome. Last evaluated: 2015-07-02. Review status: criteria provided, single submitter. Criteria: Ambry Variant Classification Scheme 2023. Collection method: clinical testing. Allele origin: germline.

NM_006231.4(POLE):c.5769C>T (p.Gly1923=)

Gene: POLE (DNA polymerase epsilon, catalytic subunit; minus strand). Cytogenetic location: 12q24.33.
Variant type: single nucleotide variant.
Coding change: c.5769C>T on transcript NM_006231.4 (MANE Select); coding-DNA position 5769, C replaced by T.
Protein change: p.Gly1923=; no amino-acid change (glycine 1923 retained).
Molecular consequence: synonymous variant.
Genome position (GRCh38, 1-based): chr12:132,635,934, G>A on the plus strand (C>T on the coding strand, the complement: POLE is on the minus strand). VCF-style: chr12-132635934-G-A. GRCh37 (hg19) VCF-style: chr12-133212520-G-A.
Identifiers: ClinVar variation 240573 (VCV000240573.61), dbSNP rs375198950, ClinGen allele CA6892401.
Genomic context (GRCh38, chr12:132,635,934, plus strand): 5'-ACACTGCAGCTCGCTTACCAGTCCACAGTGAATACGAGATGAAACTTTTCCTTTGATTCC[G>A]CCATAGTTAGATGGATCCATCCAGAGAAGAAATTCCCAGCATCGAGAGAAAGAAATTGTC-3'
Protein context (NP_006222.2, residues 1913-1933): FLLWMDPSNY[Gly1923=]GIKGKVSSRI